The following is an entry in ClinVar:

NM_014363.6(SACS):c.1507A>G (p.Lys503Glu)

Gene: SACS (sacsin molecular chaperone; minus strand). Cytogenetic location: 13q12.12.
Variant type: single nucleotide variant.
Coding change: c.1507A>G on transcript NM_014363.6 (MANE Select); coding-DNA position 1507, A replaced by G.
Protein change: p.Lys503Glu; replaces lysine 503 with glutamic acid.
Molecular consequence: missense variant.
Genome position (GRCh38, 1-based): chr13:23,355,105, T>C on the plus strand (A>G on the coding strand, the complement: SACS is on the minus strand). VCF-style: chr13-23355105-T-C. GRCh37 (hg19) VCF-style: chr13-23929244-T-C.
Other names: c.1066A>G, p.Lys356Glu (NM_001278055.2); short protein forms K356E, K503E.
Identifiers: ClinVar variation 2180518 (VCV002180518.1), dbSNP rs1339493976, ClinGen allele CA387548077.
Genomic context (GRCh38, chr13:23,355,105, plus strand): 5'-CAGAGCTCTTTTCCATCTCCAGACGTTTTATTGAATCTAAGATCAGAGTAGCATAAGCTT[T>C]GGGGACAACATTCATGACAAGAAACTCATTCCATAAGGCTGCCGGGTCTCTCCACTGGTC-3'
Protein context (NP_055178.3, residues 493-513): NEFLVMNVVP[Lys503Glu]AYATLILDSI

ClinVar aggregate classification (germline): Uncertain significance (1 of 4 stars; one submission).

Conditions:
Spastic paraplegia. Identifiers: MedGen C0037772, HP:0001258.

Allele frequency attached by ClinVar (database versions not stated): TOPMed 0.00001.
gnomAD v4.1: 1 of 1,614,194 alleles (0.000062%); no homozygotes.

Submission:

Labcorp Genetics (formerly Invitae), Labcorp
Classification: Uncertain significance for Spastic paraplegia. Last evaluated: 2022-02-27. Review status: criteria provided, single submitter. Criteria: Invitae Variant Classification Sherloc (09022015). Collection method: clinical testing. Allele origin: germline.
Comment: This sequence change replaces lysine, which is basic and polar, with glutamic acid, which is acidic and polar, at codon 503 of the SACS protein (p.Lys503Glu). This variant is present in population databases (no rsID available, gnomAD no frequency). This variant has not been reported in the literature in individuals affected with SACS-related conditions. Advanced modeling of protein sequence and biophysical properties (such as structural, functional, and spatial information, amino acid conservation, physicochemical variation, residue mobility, and thermodynamic stability) performed at Invitae indicates that this missense variant is not expected to disrupt SACS protein function. In summary, the available evidence is currently insufficient to determine the role of this variant in disease. Therefore, it has been classified as a Variant of Uncertain Significance.